The following is an entry in ClinVar:

NM_001387690.1(KATNAL2):c.652C>T (p.Arg218Ter)

Gene: KATNAL2 (katanin catalytic subunit A1 like 2; plus strand). Cytogenetic location: 18q21.1.
Variant type: single nucleotide variant.
Coding change: c.652C>T on transcript NM_001387690.1 (MANE Select); coding-DNA position 652, C replaced by T.
Protein change: p.Arg218Ter; replaces arginine 218 with a stop codon.
Molecular consequence: nonsense. On other transcripts: non-coding transcript variant (1).
Genome position (GRCh38, 1-based): chr18:47,063,287, C>T. VCF-style: chr18-47063287-C-T. GRCh37 (hg19) VCF-style: chr18-44589658-C-T.
Other names: c.730C>T, p.Arg244Ter (NM_001353899.1, NM_001353902.1); c.727C>T, p.Arg243Ter (NM_001353900.1); c.652C>T, p.Arg218Ter (NM_001353901.1, NM_001367621.1); c.319C>T, p.Arg107Ter (NM_001353903.1, NM_001353904.1, NM_001353905.1 and 4 more transcripts); c.436C>T, p.Arg146Ter (NM_031303.3); short protein forms R107*, R146*, R218*, R243*, R244*.
Identifiers: ClinVar variation 2629419 (VCV002629419.1), dbSNP rs201912209, ClinGen allele CA8955046.

ClinVar aggregate classification (germline): Uncertain significance (1 of 4 stars; one submission).

Conditions:
KATNAL2-related disorder. Also called: KATNAL2-related condition.

Allele frequency attached by ClinVar (database versions not stated): 1000 Genomes Project 30x 0.00016; 1000 Genomes Project 0.00020.

Submission:

PreventionGenetics, part of Exact Sciences
Classification: Uncertain significance for KATNAL2-related condition. Last evaluated: 2022-09-09. Review status: criteria provided, single submitter. Criteria: ACMG Guidelines, 2015. Collection method: clinical testing. Allele origin: germline.
Comment: The KATNAL2 c.436C>T variant is predicted to result in premature protein termination (p.Arg146*). This variant was reported in an individual with an unspecified neurodevelopmental disorder (Supplementary Dataset 5 - Wang et al. 2020. PubMed ID: 33004838). This variant is reported in 0.016% of alleles in individuals of East Asian descent in gnomAD. Although we suspect that this variant may be pathogenic, at this time, the clinical significance of this variant is uncertain due to the absence of conclusive functional and genetic evidence.